The following is an entry in ClinVar:

ClinVar aggregate classification (germline): Likely benign. Review status: criteria provided, multiple submitters, no conflicts (2 of 4 stars). 2 submissions from 2 submitters: Likely benign (2). Last evaluated 2026-07-21.

Conditions:
LRP2-related disorder. Also called: LRP2-related condition.

Allele frequency attached by ClinVar (database versions not stated): gnomAD 0.00001; TOPMed 0.00001; ExAC 0.00002; gnomAD exomes 0.00002; ESP Exome Variant Server 0.00015.
gnomAD v4.1: 31 of 1,614,074 alleles (0.0019%); highest among the groups gnomAD compares: Middle Eastern, 0.016%; no homozygotes.

Submissions (2):

PreventionGenetics, part of Exact Sciences
Classification: Likely benign for LRP2-related condition. Last evaluated: 2026-07-21. Review status: criteria provided, single submitter. Criteria: ACMG Guidelines, 2015. Collection method: clinical testing. Allele origin: germline.
Comment: This variant is classified as likely benign based on ACMG/AMP sequence variant interpretation guidelines (Richards et al. 2015 PMID: 25741868, with internal and published modifications).

Labcorp Genetics (formerly Invitae), Labcorp
Classification: Likely benign. Last evaluated: 2025-10-09. Review status: criteria provided, single submitter. Criteria: Invitae Variant Classification Sherloc (09022015). Collection method: clinical testing. Allele origin: germline.

NM_004525.3(LRP2):c.11781T>C (p.Pro3927=)

Gene: LRP2 (LDL receptor related protein 2; minus strand). Cytogenetic location: 2q31.1.
Variant type: single nucleotide variant.
Coding change: c.11781T>C on transcript NM_004525.3 (MANE Select); coding-DNA position 11781, T replaced by C.
Protein change: p.Pro3927=; no amino-acid change (proline 3927 retained).
Molecular consequence: synonymous variant.
Genome position (GRCh38, 1-based): chr2:169,162,578, A>G on the plus strand (T>C on the coding strand, the complement: LRP2 is on the minus strand). VCF-style: chr2-169162578-A-G. GRCh37 (hg19) VCF-style: chr2-170019088-A-G.
Other names: c.11781T>C (NM_004525.2).
Identifiers: ClinVar variation 1534506 (VCV001534506.9), dbSNP rs150748176, ClinGen allele CA1952962.